The following is an entry in ClinVar:

NM_022915.5(MRPL44):c.244A>G (p.Asn82Asp)

Gene: MRPL44 (mitochondrial ribosomal protein L44; plus strand). Cytogenetic location: 2q36.1.
Variant type: single nucleotide variant.
Coding change: c.244A>G on transcript NM_022915.5 (MANE Select); coding-DNA position 244, A replaced by G.
Protein change: p.Asn82Asp; replaces asparagine 82 with aspartic acid.
Molecular consequence: missense variant.
Genome position (GRCh38, 1-based): chr2:223,959,598, A>G. VCF-style: chr2-223959598-A-G. GRCh37 (hg19) VCF-style: chr2-224824315-A-G.
Other names: short protein forms N82D.
Identifiers: ClinVar variation 559367 (VCV000559367.17), dbSNP rs113782060, ClinGen allele CA2139020.

ClinVar aggregate classification (germline): Conflicting classifications of pathogenicity. Review status: criteria provided, conflicting classifications (1 of 4 stars). 6 submissions from 6 submitters: Uncertain significance (2); Benign (2); Likely benign (1). 1 of the submissions does not count toward it. Last evaluated 2026-06-23.

Conditions:
Inborn genetic diseases. Identifiers: MedGen C0950123, MeSH D030342.

Allele frequency attached by ClinVar (database versions not stated): 1000 Genomes Project 30x 0.00016; TOPMed 0.00056; ExAC 0.00058; ESP Exome Variant Server 0.00062; gnomAD exomes 0.00067 and 0.00099; gnomAD 0.00092 and 0.00094.
gnomAD v4.1: 1,551 of 1,614,110 alleles (0.096%); highest among the groups gnomAD compares: Non-Finnish European, 0.11%; 3 homozygotes.

Submissions (6):

GeneDx
Classification: Uncertain significance. Last evaluated: 2026-06-23. Review status: criteria provided, single submitter. Criteria: GeneDx Variant Classification Process June 2021. Collection method: clinical testing. Allele origin: germline.
Comment: In silico analysis suggests that this missense variant does not alter protein structure/function; Has not been previously published as pathogenic or benign to our knowledge

Labcorp Genetics (formerly Invitae), Labcorp
Classification: Benign. Last evaluated: 2026-01-09. Review status: criteria provided, single submitter. Criteria: Invitae Variant Classification Sherloc (09022015). Collection method: clinical testing. Allele origin: germline.

Blueprint Genetics
Classification: Likely benign. Last evaluated: 2024-11-22. Review status: criteria provided, single submitter. Criteria: ACMG Guidelines, 2015. Collection method: clinical testing. Allele origin: germline.

Ambry Genetics
Classification: Uncertain significance for Inborn genetic diseases. Last evaluated: 2021-08-17. Review status: criteria provided, single submitter. Criteria: Ambry Variant Classification Scheme 2023. Collection method: clinical testing. Allele origin: germline.

Breakthrough Genomics
Classification: Benign. Review status: criteria provided, single submitter. Criteria: ACMG Guidelines, 2015. Collection method: not provided. Allele origin: germline. Inheritance: Autosomal recessive inheritance. Affected: yes.

Mayo Clinic Laboratories, Mayo Clinic
Classification: Uncertain significance. Last evaluated: 2016-02-26. Review status: no assertion criteria provided. Collection method: clinical testing. Allele origin: unknown. Not counted in ClinVar's aggregate classification.